The following is an entry in ClinVar:

NM_001267550.2(TTN):c.11311+1G>A

Gene: TTN (titin; minus strand). Cytogenetic location: 2q31.2.
Variant type: single nucleotide variant.
Coding change: c.11311+1G>A on transcript NM_001267550.2 (MANE Select); the canonical splice donor site of the intron after coding-DNA position 11311, G replaced by A.
Molecular consequence: splice donor variant.
Genome position (GRCh38, 1-based): chr2:178,753,123, C>T on the plus strand (G>A on the coding strand, the complement: TTN is on the minus strand). VCF-style: chr2-178753123-C-T. GRCh37 (hg19) VCF-style: chr2-179617850-C-T.
Other names: c.10222+1G>A (NM_003319.4); c.10798+1G>A (NM_133437.4); c.10597+1G>A (NM_133432.3); c.10360+1G>A (NM_133378.4, NM_001256850.1, NM_133379.5).
Identifiers: ClinVar variation 3761117 (VCV003761117.2).

ClinVar aggregate classification (germline): Likely pathogenic (1 of 4 stars; one submission).

Conditions:
Autosomal recessive limb-girdle muscular dystrophy type 2J (LGMDR10). Also called: Limb-girdle muscular dystrophy, type 2J; MUSCULAR DYSTROPHY, LIMB-GIRDLE, AUTOSOMAL RECESSIVE 10. Identifiers: Orphanet 140922, MedGen C1837342, MONDO:0012127, OMIM 608807.
Dilated cardiomyopathy 1G (CMD1G). Identifiers: Orphanet 154, MedGen C1858763, MONDO:0011400, OMIM 604145.

Submission:

Labcorp Genetics (formerly Invitae), Labcorp
Classification: Likely pathogenic for Dilated cardiomyopathy 1G; Autosomal recessive limb-girdle muscular dystrophy type 2J. Last evaluated: 2024-06-18. Review status: criteria provided, single submitter. Criteria: Invitae Variant Classification Sherloc (09022015). Collection method: clinical testing. Allele origin: germline.
Comment: This sequence change affects a donor splice site in intron 47 of the TTN gene. It is expected to disrupt RNA splicing and likely results in a truncated or disrupted TTN protein. This variant is not present in population databases (gnomAD no frequency). This variant has not been reported in the literature in individuals affected with TTN-related conditions. Algorithms developed to predict the effect of sequence changes on RNA splicing suggest that this variant may disrupt the consensus splice site. This variant is located in the I band of TTN (PMID: 25589632). Truncating variants in this region have been reported in individuals affected with autosomal recessive centronuclear myopathy (PMID: 23975875, Invitae internal data). Truncating variants in this region have also been identified in individuals affected with autosomal dominant dilated cardiomyopathy and/or cardio-related conditions (PMID: 27869827, 32964742, Invitae internal data). In summary, the currently available evidence indicates that the variant is pathogenic, but additional data are needed to prove that conclusively. Therefore, this variant has been classified as Likely Pathogenic.

Literature cited by the submitters: PubMed 25589632; PubMed 23975875; PubMed 27869827; PubMed 32964742.